The following is an entry in ClinVar:

NM_021098.3(CACNA1H):c.3004G>A (p.Gly1002Ser)

Gene: CACNA1H (calcium voltage-gated channel subunit alpha1 H; plus strand). Cytogenetic location: 16p13.3.
Variant type: single nucleotide variant.
Coding change: c.3004G>A on transcript NM_021098.3 (MANE Select); coding-DNA position 3004, G replaced by A.
Protein change: p.Gly1002Ser; replaces glycine 1002 with serine.
Molecular consequence: missense variant.
Genome position (GRCh38, 1-based): chr16:1,207,371, G>A. VCF-style: chr16-1207371-G-A. GRCh37 (hg19) VCF-style: chr16-1257371-G-A.
Other names: c.3004G>A, p.Gly1002Ser (NM_001005407.2); short protein forms G1002S.
Identifiers: ClinVar variation 1175485 (VCV001175485.2), dbSNP rs2141308474, ClinGen allele CA394170428.

ClinVar aggregate classification (germline): Uncertain significance (1 of 4 stars; one submission).

Allele frequency attached by ClinVar (database versions not stated): gnomAD exomes below 0.00001.
gnomAD v4.1: 5 of 1,613,198 alleles (0.00031%); highest among the groups gnomAD compares: South Asian, 0.0011%; no homozygotes.

Submission:

GeneDx
Classification: Uncertain significance. Last evaluated: 2019-05-20. Review status: criteria provided, single submitter. Criteria: GeneDx Variant Classification Process June 2021. Collection method: clinical testing. Allele origin: germline. Affected: yes.
Comment: Not observed in large population cohorts (Lek et al., 2016); In silico analysis, which includes protein predictors and evolutionary conservation, supports a deleterious effect; Has not been previously published as pathogenic or benign to our knowledge